The following is an entry in ClinVar:

NM_001077653.2(TBX20):c.989C>A (p.Thr330Lys)

Gene: TBX20 (T-box transcription factor 20; minus strand). Cytogenetic location: 7p14.2.
Variant type: single nucleotide variant.
Coding change: c.989C>A on transcript NM_001077653.2 (MANE Select); coding-DNA position 989, C replaced by A.
Protein change: p.Thr330Lys; replaces threonine 330 with lysine.
Molecular consequence: missense variant.
Genome position (GRCh38, 1-based): chr7:35,204,484, G>T on the plus strand (C>A on the coding strand, the complement: TBX20 is on the minus strand). VCF-style: chr7-35204484-G-T. GRCh37 (hg19) VCF-style: chr7-35244096-G-T.
Other names: short protein forms T330K.
Identifiers: ClinVar variation 4698973 (VCV004698973.1).
Genomic context (GRCh38, chr7:35,204,484, plus strand): 5'-GGTGCTCTGCCTCCCAGCAATTCCATGGCCTTGGAAACTACCTTACCTCGATTTGGGGTT[G>T]TCTGACTCTCATCCCCCAAGACATCTTCTTCTCCTCCGTAGGTACGGATGGGTGAGCGTG-3'
Protein context (NP_001071121.1, residues 320-340): EEDVLGDESQ[Thr330Lys]TPNRGSAFTT

ClinVar aggregate classification (germline): Uncertain significance (1 of 4 stars; one submission).

Submission:

Labcorp Genetics (formerly Invitae), Labcorp
Classification: Uncertain significance. Last evaluated: 2025-08-13. Review status: criteria provided, single submitter. Criteria: Invitae Variant Classification Sherloc (09022015). Collection method: clinical testing. Allele origin: germline.
Comment: This sequence change replaces threonine, which is neutral and polar, with lysine, which is basic and polar, at codon 330 of the TBX20 protein (p.Thr330Lys). This variant is not present in population databases (gnomAD no frequency). This variant has not been reported in the literature in individuals affected with TBX20-related conditions. Invitae Evidence Modeling of protein sequence and biophysical properties (such as structural, functional, and spatial information, amino acid conservation, physicochemical variation, residue mobility, and thermodynamic stability) indicates that this missense variant is not expected to disrupt TBX20 protein function with a negative predictive value of 80%. In summary, the available evidence is currently insufficient to determine the role of this variant in disease. Therefore, it has been classified as a Variant of Uncertain Significance.